The following is an entry in ClinVar:

NM_000361.3(THBD):c.763G>C (p.Ala255Pro)

Gene: THBD (thrombomodulin; minus strand). Cytogenetic location: 20p11.21.
Variant type: single nucleotide variant.
Coding change: c.763G>C on transcript NM_000361.3 (MANE Select); coding-DNA position 763, G replaced by C.
Protein change: p.Ala255Pro; replaces alanine 255 with proline.
Molecular consequence: missense variant.
Genome position (GRCh38, 1-based): chr20:23,048,742, C>G on the plus strand (G>C on the coding strand, the complement: THBD is on the minus strand). VCF-style: chr20-23048742-C-G. GRCh37 (hg19) VCF-style: chr20-23029379-C-G.
Other names: short protein forms A255P.
Identifiers: ClinVar variation 988131 (VCV000988131.6), dbSNP rs1276712753, ClinGen allele CA408406993.

ClinVar aggregate classification (germline): Uncertain significance. Review status: criteria provided, multiple submitters, no conflicts (2 of 4 stars). 4 submissions from 4 submitters: Uncertain significance (3). 1 of the submissions does not count toward it. Last evaluated 2026-08-11.

Conditions:
THBD-related disorder. Also called: THBD-related condition.
Inborn genetic diseases. Identifiers: MedGen C0950123, MeSH D030342.
Atypical hemolytic-uremic syndrome. Identifiers: Orphanet 2134, MedGen C2931788, MONDO:0016244.

Allele frequency attached by ClinVar (database versions not stated): gnomAD exomes 0.00001 and 0.00004; TOPMed 0.00002.
gnomAD v4.1: 55 of 1,569,352 alleles (0.0035%); highest among the groups gnomAD compares: Non-Finnish European, 0.0045%; no homozygotes.

Submissions (4):

PreventionGenetics, part of Exact Sciences
Classification: Uncertain significance for THBD-related condition. Last evaluated: 2026-08-11. Review status: criteria provided, single submitter. Criteria: ACMG Guidelines, 2015. Collection method: clinical testing. Allele origin: germline.
Comment: The THBD c.763G>C variant is predicted to result in the amino acid substitution p.Ala255Pro. To our knowledge, this variant has not been reported in the literature. This variant is reported in 0.0033% of alleles in individuals of European (Non-Finnish) descent in gnomAD. At this time, the clinical significance of this variant is uncertain due to the absence of conclusive functional and genetic evidence.

Ambry Genetics
Classification: Uncertain significance for Inborn genetic diseases. Last evaluated: 2025-02-24. Review status: criteria provided, single submitter. Criteria: Ambry Variant Classification Scheme 2023. Collection method: clinical testing. Allele origin: germline.

Labcorp Genetics (formerly Invitae), Labcorp
Classification: Uncertain significance. Last evaluated: 2024-01-06. Review status: criteria provided, single submitter. Criteria: Invitae Variant Classification Sherloc (09022015). Collection method: clinical testing. Allele origin: germline.
Comment: This sequence change replaces alanine, which is neutral and non-polar, with proline, which is neutral and non-polar, at codon 255 of the THBD protein (p.Ala255Pro). This variant is present in population databases (no rsID available, gnomAD 0.003%). This variant has not been reported in the literature in individuals affected with THBD-related conditions. ClinVar contains an entry for this variant (Variation ID: 988131). Advanced modeling of protein sequence and biophysical properties (such as structural, functional, and spatial information, amino acid conservation, physicochemical variation, residue mobility, and thermodynamic stability) performed at Invitae indicates that this missense variant is not expected to disrupt THBD protein function with a negative predictive value of 80%. In summary, the available evidence is currently insufficient to determine the role of this variant in disease. Therefore, it has been classified as a Variant of Uncertain Significance.

Sydney Genome Diagnostics, Children's Hospital Westmead
Classification: Uncertain significance for Atypical hemolytic-uremic syndrome. Last evaluated: 2019-06-11. Review status: no assertion criteria provided. Collection method: clinical testing. Allele origin: unknown. Affected: yes. Observed: 1 variant allele, 1 compound heterozygote. Not counted in ClinVar's aggregate classification.
Comment: To our knowledge, this variant has not been previously reported in the literature or any disease specific databases, including the Database of complement gene variants, to be a disease causing variant. This variant has been reported in the gnomAD browser with a very low allele frequency of 0.0015% (3 out of 204 426 alleles). In silico analysis of pathogenicity (through Alamut Visual v2.8.1) using PolyPhen2, SIFT and MutationTaster suggest that this variant does not affect protein function and is likely to be benign. However, this analysis alone cannot be used to exclude pathogenicity. This variant is considered to be a variant of uncertain clinical significance (VOUS) according to the ACMG guidelines. (Evidence used: PM2, BP4).